The following is an entry in ClinVar:

ClinVar aggregate classification (germline): Uncertain significance (0 of 4 stars; one submission).

Conditions:
SPTBN4-related disorder. Also called: SPTBN4-related condition.

Allele frequency attached by ClinVar (database versions not stated): gnomAD exomes below 0.00001.
gnomAD v4.1: 1 of 1,610,138 alleles (0.000062%); highest among the groups gnomAD compares: South Asian, 0.0011%; no homozygotes.

Submission:

PreventionGenetics, part of Exact Sciences
Classification: Uncertain significance for SPTBN4-related condition. Last evaluated: 2023-11-01. Review status: no assertion criteria provided. Collection method: clinical testing. Allele origin: germline.
Comment: The SPTBN4 c.3853G>A variant is predicted to result in the amino acid substitution p.Glu1285Lys. To our knowledge, this variant has not been reported in the literature or in a large population database, indicating this variant is rare. At this time, the clinical significance of this variant is uncertain due to the absence of conclusive functional and genetic evidence.

NM_020971.3(SPTBN4):c.3853G>A (p.Glu1285Lys)

Gene: SPTBN4 (spectrin beta, non-erythrocytic 4; plus strand). Cytogenetic location: 19q13.2.
Variant type: single nucleotide variant.
Coding change: c.3853G>A on transcript NM_020971.3 (MANE Select); coding-DNA position 3853, G replaced by A.
Protein change: p.Glu1285Lys; replaces glutamic acid 1285 with lysine.
Molecular consequence: missense variant.
Genome position (GRCh38, 1-based): chr19:40,523,635, G>A. VCF-style: chr19-40523635-G-A. GRCh37 (hg19) VCF-style: chr19-41029542-G-A.
Other names: short protein forms E1285K.
Identifiers: ClinVar variation 3033543 (VCV003033543.2), dbSNP rs2515069517, ClinGen allele CA405918313.
Genomic context (GRCh38, chr19:40,523,635, plus strand): 5'-CTGCTGAGGCAGGGCAACATCTACGGGGAGCAGGCTCAGGAGGCTGTGACCCGGCTGCTG[G>A]AGAAGTAGGTCCCCTAGACCCATCCACCCCAGGGAGGGGGCAGAAGATGGGGCCCAGCAT-3'
Protein context (NP_066022.2, residues 1275-1295): QAQEAVTRLL[Glu1285Lys]KNQENQLRAQ